The following is an entry in ClinVar:

ClinVar aggregate classification (germline): Likely benign. Review status: criteria provided, single submitter (1 of 4 stars). 2 submissions from 2 submitters: Likely benign (1). 1 of the submissions does not count toward it. Last evaluated 2025-06-23.

Conditions:
KMT2D-related disorder. Also called: KMT2D-Related Disorders.
Kabuki syndrome. Also called: Kabuki make-up syndrome; NIIKAWA-KUROKI SYNDROME. Identifiers: Orphanet 2322, MedGen C0796004, MONDO:0016512.

Allele frequency attached by ClinVar (database versions not stated): gnomAD 0.00001; gnomAD exomes 0.00002; ExAC 0.00007; ESP Exome Variant Server 0.00008.

Submissions (2):

Labcorp Genetics (formerly Invitae), Labcorp
Classification: Likely benign for Kabuki syndrome. Last evaluated: 2025-06-23. Review status: criteria provided, single submitter. Criteria: Invitae Variant Classification Sherloc (09022015). Collection method: clinical testing. Allele origin: germline.

PreventionGenetics, part of Exact Sciences
Classification: Likely benign for KMT2D-related condition. Last evaluated: 2021-11-19. Review status: no assertion criteria provided. Collection method: clinical testing. Allele origin: germline. Not counted in ClinVar's aggregate classification.
Comment: This variant is classified as likely benign based on ACMG/AMP sequence variant interpretation guidelines (Richards et al. 2015 PMID: 25741868, with internal and published modifications).

NM_003482.4(KMT2D):c.1995G>A (p.Pro665=)

Gene: KMT2D (lysine methyltransferase 2D; minus strand). Cytogenetic location: 12q13.12.
Variant type: single nucleotide variant.
Coding change: c.1995G>A on transcript NM_003482.4 (MANE Select); coding-DNA position 1995, G replaced by A.
Protein change: p.Pro665=; no amino-acid change (proline 665 retained).
Molecular consequence: synonymous variant.
Genome position (GRCh38, 1-based): chr12:49,051,688, C>T on the plus strand (G>A on the coding strand, the complement: KMT2D is on the minus strand). VCF-style: chr12-49051688-C-T. GRCh37 (hg19) VCF-style: chr12-49445471-C-T.
Identifiers: ClinVar variation 2195557 (VCV002195557.6), dbSNP rs375995711, ClinGen allele CA6548370.
Genomic context (GRCh38, chr12:49,051,688, plus strand): 5'-CTCAGGTGGAGGGGACGTGGGAGACTCCTCAGGCGGTGGGGACAAGGGAGATTCCTCAGG[C>T]GGTGGAGACAGGCGTGACACCACAGGCAGGGGGGATAGGCGCGATACCTCAGGTGGGGGG-3'
Protein context (NP_003473.3, residues 655-675): PLPVVSRLSP[Pro665=]PEESPLSPPP